The following is an entry in ClinVar:

ClinVar aggregate classification (germline): Uncertain significance. Review status: criteria provided, multiple submitters, no conflicts (2 of 4 stars). 3 submissions from 3 submitters: Uncertain significance (3). Last evaluated 2025-09-04.

Conditions:
3M syndrome 1. Also called: 3-M Syndrome, CUL7-Related. Identifiers: Orphanet 2616, MedGen C2678312, MONDO:0010117, OMIM 273750.

Allele frequency attached by ClinVar (database versions not stated): gnomAD exomes below 0.00001 and 0.00002; ExAC 0.00002; gnomAD 0.00003 and 0.00004; TOPMed 0.00003.
gnomAD v4.1: 29 of 1,613,430 alleles (0.0018%); highest among the groups gnomAD compares: South Asian, 0.0044%; no homozygotes.

Submissions (3):

Labcorp Genetics (formerly Invitae), Labcorp
Classification: Uncertain significance. Last evaluated: 2025-09-04. Review status: criteria provided, single submitter. Criteria: Invitae Variant Classification Sherloc (09022015). Collection method: clinical testing. Allele origin: germline.
Comment: This sequence change replaces alanine, which is neutral and non-polar, with valine, which is neutral and non-polar, at codon 1202 of the CUL7 protein (p.Ala1202Val). The frequency data for this variant in the population databases is considered unreliable, as metrics indicate poor data quality at this position in the gnomAD database. This variant has not been reported in the literature in individuals affected with CUL7-related conditions. ClinVar contains an entry for this variant (Variation ID: 909290). Invitae Evidence Modeling of protein sequence and biophysical properties (such as structural, functional, and spatial information, amino acid conservation, physicochemical variation, residue mobility, and thermodynamic stability) indicates that this missense variant is not expected to disrupt CUL7 protein function with a negative predictive value of 80%. In summary, the available evidence is currently insufficient to determine the role of this variant in disease. Therefore, it has been classified as a Variant of Uncertain Significance.

Blueprint Genetics
Classification: Uncertain significance. Last evaluated: 2024-08-06. Review status: criteria provided, single submitter. Criteria: ACMG Guidelines, 2015. Collection method: clinical testing. Allele origin: germline.

Illumina Laboratory Services, Illumina
Classification: Uncertain significance for 3M syndrome 1. Last evaluated: 2018-01-13. Review status: criteria provided, single submitter. Criteria: ICSL Variant Classification Criteria 13 December 2019. Collection method: clinical testing. Allele origin: germline.

NM_014780.5(CUL7):c.3605C>T (p.Ala1202Val)

Gene: CUL7 (cullin 7; minus strand). Cytogenetic location: 6p21.1.
Variant type: single nucleotide variant.
Coding change: c.3605C>T on transcript NM_014780.5 (MANE Select); coding-DNA position 3605, C replaced by T.
Protein change: p.Ala1202Val; replaces alanine 1202 with valine.
Molecular consequence: missense variant.
Genome position (GRCh38, 1-based): chr6:43,042,842, G>A on the plus strand (C>T on the coding strand, the complement: CUL7 is on the minus strand). VCF-style: chr6-43042842-G-A. GRCh37 (hg19) VCF-style: chr6-43010580-G-A.
Other names: c.3701C>T, p.Ala1234Val (NM_001168370.2, NM_001374872.1); c.3605C>T, p.Ala1202Val (NM_001374873.1); c.3602C>T, p.Ala1201Val (NM_001374874.1); short protein forms A1201V, A1234V, A1202V.
Identifiers: ClinVar variation 909290 (VCV000909290.10), dbSNP rs762601845, ClinGen allele CA3813442.